The following is an entry in ClinVar:

ClinVar aggregate classification (germline): Pathogenic (1 of 4 stars; one submission).

Submission:

GeneDx
Classification: Pathogenic. Last evaluated: 2026-05-15. Review status: criteria provided, single submitter. Criteria: GeneDx Variant Classification Process June 2021. Collection method: clinical testing. Allele origin: germline.
Comment: Nonsense variant predicted to result in protein truncation or nonsense mediated decay in a gene for which loss of function is a known mechanism of disease; Not observed at significant frequency in large population cohorts (gnomAD); Has not been previously published as pathogenic or benign to our knowledge

NM_024721.5(ZFHX4):c.4720C>T (p.Gln1574Ter)

Gene: ZFHX4 (zinc finger homeobox 4; plus strand). Cytogenetic location: 8q21.13.
Variant type: single nucleotide variant.
Coding change: c.4720C>T on transcript NM_024721.5 (MANE Select); coding-DNA position 4720, C replaced by T.
Protein change: p.Gln1574Ter; replaces glutamine 1574 with a stop codon.
Molecular consequence: nonsense.
Genome position (GRCh38, 1-based): chr8:76,851,641, C>T. VCF-style: chr8-76851641-C-T. GRCh37 (hg19) VCF-style: chr8-77763877-C-T.
Other names: c.4642C>T, p.Gln1548Ter (NM_001410934.1); short protein forms Q1548*, Q1574*.
Identifiers: ClinVar variation 3900305 (VCV003900305.2).
Genomic context (GRCh38, chr8:76,851,641, plus strand): 5'-AACATTCTCTTGGTCCACTATAATTCAGTTTCTCACTTGCATAAGCTGAAAAAAGTTTTG[C>T]AGGAAGCCTCCAGTCCTGTCCCACAAGAAACCAACAGCAACACAGATAACAAACCCTACA-3'